The following is an entry in ClinVar:

ClinVar aggregate classification (germline): Uncertain significance (1 of 4 stars; one submission).

Allele frequency attached by ClinVar (database versions not stated): gnomAD exomes below 0.00001.
gnomAD v4.1: 1 of 1,613,754 alleles (0.000062%); highest among the groups gnomAD compares: Non-Finnish European, 0.000085%; no homozygotes.

Submission:

Labcorp Genetics (formerly Invitae), Labcorp
Classification: Uncertain significance. Last evaluated: 2025-11-22. Review status: criteria provided, single submitter. Criteria: Invitae Variant Classification Sherloc (09022015). Collection method: clinical testing. Allele origin: germline.
Comment: This sequence change creates a premature translational stop signal (p.Trp1122*) in the MSH3 gene. While this is not anticipated to result in nonsense mediated decay, it is expected to disrupt the last 16 amino acid(s) of the MSH3 protein. This variant is not present in population databases (gnomAD no frequency). This variant has not been reported in the literature in individuals affected with MSH3-related conditions. ClinVar contains an entry for this variant (Variation ID: 2705977). Algorithms developed to predict the effect of sequence changes on RNA splicing suggest that this variant may disrupt the consensus splice site. In summary, the available evidence is currently insufficient to determine the role of this variant in disease. Therefore, it has been classified as a Variant of Uncertain Significance.

NM_002439.5(MSH3):c.3365G>A (p.Trp1122Ter)

Gene: MSH3 (mutS homolog 3; plus strand). Cytogenetic location: 5q14.1.
Variant type: single nucleotide variant.
Coding change: c.3365G>A on transcript NM_002439.5 (MANE Select); coding-DNA position 3365, G replaced by A.
Protein change: p.Trp1122Ter; replaces tryptophan 1122 with a stop codon.
Molecular consequence: nonsense.
Genome position (GRCh38, 1-based): chr5:80,875,813, G>A. VCF-style: chr5-80875813-G-A. GRCh37 (hg19) VCF-style: chr5-80171632-G-A.
Other names: short protein forms W1122*.
Identifiers: ClinVar variation 2705977 (VCV002705977.3), dbSNP rs2112131845, ClinGen allele CA360347405.
Genomic context (GRCh38, chr5:80,875,813, plus strand): 5'-AGAGACTCAAGTATTTTGCAAAGTTATGGACGATGCATAATGCACAAGACCTGCAGAAGT[G>A]GACAGAGGAGTTCAACATGGAAGAAACACAGACTTCTCTTCTTCATTAAAATGAAGACTA-3'